The following is an entry in ClinVar:

NM_001037.5(SCN1B):c.363C>G (p.Cys121Trp)

Gene: SCN1B (sodium voltage-gated channel beta subunit 1; plus strand). Cytogenetic location: 19q13.11.
Variant type: single nucleotide variant.
Coding change: c.363C>G on transcript NM_001037.5 (MANE Select); coding-DNA position 363, C replaced by G.
Protein change: p.Cys121Trp; replaces cysteine 121 with tryptophan.
Molecular consequence: missense variant.
Genome position (GRCh38, 1-based): chr19:35,033,654, C>G. VCF-style: chr19-35033654-C-G. GRCh37 (hg19) VCF-style: chr19-35524558-C-G.
Other names: p.C121W:TGC>TGG; c.363C>G (NM_199037.4); c.264C>G, p.Cys88Trp (NM_001321605.2); c.363C>G, p.Cys121Trp (NM_199037.5); short protein forms C121W, C88W.
Identifiers: ClinVar variation 9252 (VCV000009252.51), dbSNP rs104894718, ClinGen allele CA203839.

ClinVar aggregate classification (germline): Conflicting classifications of pathogenicity. Review status: criteria provided, conflicting classifications (1 of 4 stars). 23 submissions from 23 submitters: Pathogenic (16); Likely pathogenic (4); Uncertain significance (1). 2 of the submissions do not count toward it. Last evaluated 2026-04-23.

Conditions:
SCN1B-related disorder. Also called: SCN1B-Related Disorders; SCN1B-related condition.
Developmental and epileptic encephalopathy, 52 (DEE52). Also called: Epileptic encephalopathy, early infantile, 52. Identifiers: MedGen C4479236, MONDO:0033361, OMIM 617350.
Brugada syndrome 5 (BRGDA5). Identifiers: Orphanet 130, Orphanet 871, MedGen C2748541, MONDO:0013015, OMIM 612838.
Generalized epilepsy with febrile seizures plus, type 1 (GEFSP1). Also called: GEFS+, TYPE 1. Identifiers: Orphanet 36387, MedGen C1858672, MONDO:0011416, OMIM 604233.
Atrial fibrillation, familial, 13 (ATFB13). Identifiers: MedGen C3809311, MONDO:0014155, OMIM 615377.
Cardiovascular phenotype. Identifiers: MedGen CN230736.

Allele frequency attached by ClinVar (database versions not stated): gnomAD exomes below 0.00001 and 0.00012; ExAC 0.00001; TOPMed 0.00002; gnomAD 0.00003.
gnomAD v4.1: 169 of 1,614,076 alleles (0.01%); highest among the groups gnomAD compares: Non-Finnish European, 0.014%; no homozygotes.

Submissions 1 to 6 of 23:

Victorian Clinical Genetics Services, Murdoch Childrens Research Institute
Classification: Pathogenic for Generalized epilepsy with febrile seizures plus, type 1. Last evaluated: 2026-04-23. Review status: criteria provided, single submitter. Criteria: ACMG Guidelines, 2015. Collection method: clinical testing. Allele origin: germline. Affected: no.
Comment: This variant is classified as Pathogenic. Evidence in support of pathogenic classification: Variant is present in gnomAD <0.01 (v4: 169 heterozygote(s), 0 homozygote(s)). - This variant has strong previous evidence of pathogenicity in unrelated individuals. This variant has been classified as likely pathogenic or pathogenic by clinical laboratories in ClinVar and reported in individuals with autosomal dominant generalised epilepsy with febrile seizures plus (PMID: 17020904, PMID: 12011299). This variant has strong evidence for segregation with disease. This variant was shown to segregate in three families with autosomal dominant generalised epilepsy with febrile seizures plus (PMID: 17020904, PMID: 12011299); Missense variant predicted to be damaging by in silico tool(s) or highly conserved with a major amino acid change. Additional information: Variant is predicted to result in a missense amino acid change from Cys to Trp; This variant is heterozygous; This gene is associated with both recessive and dominant disease. This gene has been reported to be associated with both autosomal recessive and autosomal dominant epilepsy (OMIM); Loss of function is a known mechanism of disease in this gene and is associated with generalised epilepsy with febrile seizures plus, type 1 (GEFS+: MIM#604233) and developmental and epileptic encephalopathy 52 (MIM#617350); The condition associated with this gene has incomplete penetrance. The disease penetrance of the p.(Cys121Trp) variant for GEFS+ is found to be 62-76% (PMID: 36291443); Variants in this gene are known to have variable expressivity. Families with SCN1B-related epilepsy may have members with that same variant that are seizure-free, have febrile seizures or have epilepsy (most frequently FS+) (PMID: 36291443).

Labcorp Genetics (formerly Invitae), Labcorp
Classification: Pathogenic for Brugada syndrome 5. Last evaluated: 2026-02-01. Review status: criteria provided, single submitter. Criteria: Invitae Variant Classification Sherloc (09022015). Collection method: clinical testing. Allele origin: germline.
Comment: This sequence change replaces cysteine, which is neutral and slightly polar, with tryptophan, which is neutral and slightly polar, at codon 121 of the SCN1B protein (p.Cys121Trp). This variant is present in population databases (rs104894718, gnomAD 0.003%). This missense change has been observed in individual(s) with autosomal dominant SCN1B-related conditions (PMID: 9697698, 12011299, 17020904). It has also been observed to segregate with disease in related individuals. ClinVar contains an entry for this variant (Variation ID: 9252). An algorithm developed to predict the effect of missense changes on protein structure and function (PolyPhen-2) suggests that this variant is likely to be disruptive. Experimental studies have shown that this missense change affects SCN1B function (PMID: 20628201, 25421039, 27277800, 28331474). For these reasons, this variant has been classified as Pathogenic.

Women's Health and Genetics/Laboratory Corporation of America, LabCorp
Classification: Pathogenic for SCN1B-Related Disorders. Last evaluated: 2025-11-17. Review status: criteria provided, single submitter. Criteria: LabCorp Variant Classification Summary - May 2015. Collection method: clinical testing. Allele origin: germline.
Comment: Variant summary: SCN1B c.363C>G (p.Cys121Trp) results in a non-conservative amino acid change in the encoded protein sequence. Algorithms developed to predict the effect of missense changes on protein structure and function all suggest that this variant is likely to be disruptive. The variant allele was found at a frequency of 4e-06 in 251874 control chromosomes. c.363C>G has been observed in multiple individuals affected with SCN1B-Related Disorders (Haider_2005, Wallace, 2002, Scheffer_2007, Wallace_1998, Dibbens_2010, Mrabet_2007). These data indicate that the variant is very likely to be associated with disease. At least one publication reports experimental evidence evaluating an impact on protein function (Wallace_1998). The most pronounced variant effect results in 30%-50% of normal activity. The following publications have been ascertained in the context of this evaluation (PMID: 20437590, 16205844, 18175077, 17020904, 12011299, 9697698). ClinVar contains an entry for this variant (Variation ID: 9252). Based on the evidence outlined above, the variant was classified as pathogenic.

Ambry Genetics
Classification: Pathogenic for Cardiovascular phenotype. Last evaluated: 2025-09-24. Review status: criteria provided, single submitter. Criteria: Ambry Variant Classification Scheme 2023. Collection method: clinical testing. Allele origin: germline.
Comment: The p.C121W pathogenic mutation (also known as c.363C>G), located in coding exon 3 of the SCN1B gene, results from a C to G substitution at nucleotide position 363. The cysteine at codon 121 is replaced by tryptophan, an amino acid with highly dissimilar properties. In three separate studies, with over 100 individuals tested, this alteration was shown to significantly segregate with disease with reduced penetrance (62-76%). In total, it was detected in 44 individuals with a variety of seizure types, including: febrile, generalized epilepsy with febrile seizures plus (GEFS+), afebrile, generalized tonic clonic, (GTC), absence, temporal lobe, and Dravet syndrome (Wallace RH et al. Nat. Genet., 1998 Aug;19:366-70; Wallace RH et al. Neurology, 2002 May;58:1426-9; Scheffer IE et al. Brain, 2007 Jan;130:100-9; Carvill GL et al. Neurology, 2014 Apr;82:1245-53). In addition, several in vitro and in vivo studies indicate that this alteration results in aberrant channel function, more specifically, thermal sensitive hyperexcitability (Barbieri R et al. Biochem. Biophys. Res. Commun., 2012 Apr;420:364-7; Meadows LS et al. J. Neurosci., 2002 Dec;22:10699-709; Tammaro P et al. Biochem. Biophys. Res. Commun., 2002 Mar;291:1095-101; Egri C et al. Epilepsia, 2012 Mar;53:494-505; Kruger LC et al. J. Neurosci., 2016 Jun;36:6213-24; Baroni D et al. J. Bioenerg. Biomembr., 2013 Aug;45:353-68). This variant also disrupts a known characteristic residue of the domain indicated to be necessary for proper function of SCN1B (Wallace RH et al. Nat. Genet., 1998 Aug;19:366-70; Namadurai S et al. J. Biol. Chem., 2014 Apr;289:10797-811; McCormick KA et al. J. Biol. Chem., 1998 Feb;273:3954-62; Robertson SC et al. Proc. Natl. Acad. Sci. U.S.A., 1998 Apr;95:4567-72). Based on the supporting evidence, this alteration is interpreted as a disease-causing mutation for SCN1B-related epilepsy; however, the association of this alteration with SCN1B-related developmental and epileptic encephalopathy and SCN1B-related arrhythmia is unknown.

Variantyx, Inc.
Classification: Pathogenic for Generalized epilepsy with febrile seizures plus, type 1. Last evaluated: 2025-07-29. Review status: criteria provided, single submitter. Criteria: Variantyx Assertion Criteria 2022. Collection method: clinical testing. Allele origin: germline. Inheritance: Autosomal dominant inheritance. Affected: no.
Comment: This is a nonsynonymous variant in the SCN1B gene (OMIM: 600235). Pathogenic variants in this gene have been associated with autosomal dominant generalized epilepsy with febrile seizures plus type 1. This is an established founder variant in the British population (PMID: 36288729, 9697698) (PS4) and it has been observed to segregate with disease in at least 10 individuals from one family (PMID: 9697698) (PP1). Functional studies have shown that this variant alters SCN1B protein function (PMID: 9697698, 11866477, 2486163, 22292491, 23584539) (PS3), and multiple computational algorithms predict a deleterious effect for this variant (REVEL score: 0.81) (PP3). This variant has a 0.0142% maximum allele frequency in non-founder control populations. Inheritance from an unaffected or mildly affected parent has been reported, consistent with incomplete penetrance and variable expressivity (PMID:¬†36288729, 9697698, 14504340). Based on the current evidence, this variant is classified as pathogenic for autosomal dominant generalized epilepsy with febrile seizures plus type 1.

Institute of Human Genetics, University of Leipzig Medical Center
Classification: Likely pathogenic for Generalized epilepsy with febrile seizures plus, type 1. Last evaluated: 2024-11-25. Review status: criteria provided, single submitter. Criteria: ACMG Guidelines, 2015. Collection method: clinical testing. Allele origin: paternal. Inheritance: Autosomal dominant inheritance. Affected: yes.
Comment: Criteria applied: PS4,PS3_MOD,PP3